The following is an entry in ClinVar:

ClinVar aggregate classification (germline): Uncertain significance (1 of 4 stars; one submission).

Conditions:
2-aminoadipic 2-oxoadipic aciduria (AAKAD). Also called: ALPHA-AMINOADIPIC AND ALPHA-KETOADIPIC ACIDURIA; Aminoadipic aciduria. Identifiers: Orphanet 79154, MedGen C1859817, MONDO:0008774, OMIM 204750.

gnomAD v4.1: 1 of 1,572,242 alleles (0.000064%); highest among the groups gnomAD compares: Non-Finnish European, 0.000086%; no homozygotes.

Submission:

Labcorp Genetics (formerly Invitae), Labcorp
Classification: Uncertain significance for 2-aminoadipic 2-oxoadipic aciduria. Last evaluated: 2025-01-20. Review status: criteria provided, single submitter. Criteria: Invitae Variant Classification Sherloc (09022015). Collection method: clinical testing. Allele origin: germline.
Comment: This sequence change replaces glutamic acid, which is acidic and polar, with glutamine, which is neutral and polar, at codon 39 of the DHTKD1 protein (p.Glu39Gln). This variant is not present in population databases (gnomAD no frequency). This variant has not been reported in the literature in individuals affected with DHTKD1-related conditions. An algorithm developed to predict the effect of missense changes on protein structure and function (PolyPhen-2) suggests that this variant is likely to be tolerated. In summary, the available evidence is currently insufficient to determine the role of this variant in disease. Therefore, it has been classified as a Variant of Uncertain Significance.

NM_018706.7(DHTKD1):c.115G>C (p.Glu39Gln)

Genes: DHTKD1 (dehydrogenase E1 and transketolase domain containing 1; plus strand), LOC130003343 (ATAC-STARR-seq lymphoblastoid silent region 2137; plus strand). Cytogenetic location: 10p14.
Variant type: single nucleotide variant.
Coding change: c.115G>C on transcript NM_018706.7 (MANE Select); coding-DNA position 115, G replaced by C.
Protein change: p.Glu39Gln; replaces glutamic acid 39 with glutamine.
Molecular consequence: missense variant.
Genome position (GRCh38, 1-based): chr10:12,069,148, G>C. VCF-style: chr10-12069148-G-C. GRCh37 (hg19) VCF-style: chr10-12111147-G-C.
Other names: short protein forms E39Q.
Identifiers: ClinVar variation 3727397 (VCV003727397.2).